The following is an entry in ClinVar:

ClinVar aggregate classification (germline): Uncertain significance (1 of 4 stars; one submission).

Conditions:
Charcot-Marie-Tooth disease type 2E (CMT2E). Also called: CHARCOT-MARIE-TOOTH NEUROPATHY, TYPE 2E; CHARCOT-MARIE-TOOTH DISEASE, AXONAL, TYPE 2E. Identifiers: Orphanet 99939, MedGen C1843225, MONDO:0011894, OMIM 607684.

Submission:

Labcorp Genetics (formerly Invitae), Labcorp
Classification: Uncertain significance for Charcot-Marie-Tooth disease type 2E. Last evaluated: 2021-03-23. Review status: criteria provided, single submitter. Criteria: Invitae Variant Classification Sherloc (09022015). Collection method: clinical testing. Allele origin: germline.
Comment: In summary, the available evidence is currently insufficient to determine the role of this variant in disease. Therefore, it has been classified as a Variant of Uncertain Significance. Experimental studies and prediction algorithms are not available or were not evaluated, and the functional significance of this variant is currently unknown. This variant has not been reported in the literature in individuals with NEFL-related conditions. This variant is not present in population databases (ExAC no frequency). This sequence change replaces serine with arginine at codon 290 of the NEFL protein (p.Ser290Arg). The serine residue is highly conserved and there is a moderate physicochemical difference between serine and arginine.

NM_006158.5(NEFL):c.870C>G (p.Ser290Arg)

Gene: NEFL (neurofilament light chain; minus strand). Cytogenetic location: 8p21.2.
Variant type: single nucleotide variant.
Coding change: c.870C>G on transcript NM_006158.5 (MANE Select); coding-DNA position 870, C replaced by G.
Protein change: p.Ser290Arg; replaces serine 290 with arginine.
Molecular consequence: missense variant.
Genome position (GRCh38, 1-based): chr8:24,955,646, G>C on the plus strand (C>G on the coding strand, the complement: NEFL is on the minus strand). VCF-style: chr8-24955646-G-C. GRCh37 (hg19) VCF-style: chr8-24813160-G-C.
Other names: short protein forms S290R.
Identifiers: ClinVar variation 1415835 (VCV001415835.6), dbSNP rs2117254420, ClinGen allele CA370621440.